The following is an entry in ClinVar:

ClinVar aggregate classification (germline): Benign/Likely benign. Review status: criteria provided, multiple submitters, no conflicts (2 of 4 stars). 3 submissions from 3 submitters: Benign (1); Likely benign (2). Last evaluated 2026-06-24.

Conditions:
Retinoblastoma (RB1). Also called: RETINOBLASTOMA, SOMATIC. Identifiers: Orphanet 790, MedGen C0035335, MeSH D012175, MONDO:0008380, OMIM 180200, HP:0009919. Disease mechanism: loss of function. Inheritance: Both sporadic and heritable forms are tested..

gnomAD v4.1: 32 of 1,434,168 alleles (0.0022%); highest among the groups gnomAD compares: Non-Finnish European, 0.0012%; no homozygotes.

Submissions (3):

Myriad Genetics, Inc.
Classification: Benign for Retinoblastoma. Last evaluated: 2026-06-24. Review status: criteria provided, single submitter. Criteria: Myriad Autosomal Dominant, Autosomal Recessive and X-Linked Classification Criteria (2023). Collection method: clinical testing. Allele origin: unknown.
Comment: This variant is considered benign. This variant is intronic and is not expected to impact mRNA splicing.

Color Diagnostics, LLC DBA Color Health
Classification: Likely benign for Retinoblastoma. Last evaluated: 2025-06-24. Review status: criteria provided, single submitter. Criteria: ACMG Guidelines, 2015. Collection method: clinical testing. Allele origin: germline.

Blueprint Genetics
Classification: Likely benign. Last evaluated: 2020-11-09. Review status: criteria provided, single submitter. Criteria: ACMG Guidelines, 2015. Collection method: clinical testing. Allele origin: germline.

NM_000321.3(RB1):c.1421+14T>C

Gene: RB1 (RB transcriptional corepressor 1; plus strand). Cytogenetic location: 13q14.2.
Variant type: single nucleotide variant.
Coding change: c.1421+14T>C on transcript NM_000321.3 (MANE Select); 14 bases into the intron after coding-DNA position 1421, T replaced by C.
Molecular consequence: intron variant.
Genome position (GRCh38, 1-based): chr13:48,380,098, T>C. VCF-style: chr13-48380098-T-C. GRCh37 (hg19) VCF-style: chr13-48954234-T-C.
Other names: c.1421+14T>C (NM_001407165.1, NM_001407166.1).
Identifiers: ClinVar variation 4758524 (VCV004758524.3).
Genomic context (GRCh38, chr13:48,380,098, plus strand): 5'-AATTATCTGTTTCAGGAAGAAGAACGATTATCCATTCAAAATTTTAGGTAAATTTTTTAC[T>C]TTTAGTAAAAAATTTTTTTCTTTTTATAGAAGTAAGTATTTTATAATCTTTTTTTTTTTC-3'